The following is an entry in ClinVar:

NM_018051.5(DYNC2I1):c.1189A>T (p.Asn397Tyr)

Gene: DYNC2I1 (dynein 2 intermediate chain 1; plus strand). Cytogenetic location: 7q36.3.
Variant type: single nucleotide variant.
Coding change: c.1189A>T on transcript NM_018051.5 (MANE Select); coding-DNA position 1189, A replaced by T.
Protein change: p.Asn397Tyr; replaces asparagine 397 with tyrosine.
Molecular consequence: missense variant. On other transcripts: 5 prime UTR variant (3).
Genome position (GRCh38, 1-based): chr7:158,902,427, A>T. VCF-style: chr7-158902427-A-T. GRCh37 (hg19) VCF-style: chr7-158695118-A-T.
Other names: c.1189A>T (NM_018051.4); c.1051A>T, p.Asn351Tyr (NM_001350914.2); c.616A>T, p.Asn206Tyr (NM_001350915.2); c.-170A>T (NM_001350916.2); c.-178A>T (NM_001350917.2, NM_001350918.2); short protein forms N206Y, N351Y, N397Y.
Identifiers: ClinVar variation 2070644 (VCV002070644.2), dbSNP rs766148492, ClinGen allele CA4594551.

ClinVar aggregate classification (germline): Uncertain significance. Review status: criteria provided, multiple submitters, no conflicts (2 of 4 stars). 2 submissions from 2 submitters: Uncertain significance (2). Last evaluated 2025-06-23.

Conditions:
Inborn genetic diseases. Identifiers: MedGen C0950123, MeSH D030342.
Short-rib thoracic dysplasia 8 with or without polydactyly (SRTD8). Also called: SHORT-RIB THORACIC DYSPLASIA 8 WITH POLYDACTYLY. Identifiers: Orphanet 93271, MedGen C3809691, MONDO:0014214, OMIM 615503.

Allele frequency attached by ClinVar (database versions not stated): TOPMed below 0.00001; gnomAD exomes 0.00001; ExAC 0.00003.
gnomAD v4.1: 5 of 1,613,864 alleles (0.00031%); highest among the groups gnomAD compares: Admixed American, 0.0083%; no homozygotes.

Submissions (2):

Ambry Genetics
Classification: Uncertain significance for Inborn genetic diseases. Last evaluated: 2025-06-23. Review status: criteria provided, single submitter. Criteria: Ambry Variant Classification Scheme 2023. Collection method: clinical testing. Allele origin: germline.

Labcorp Genetics (formerly Invitae), Labcorp
Classification: Uncertain significance for Short-rib thoracic dysplasia 8 with or without polydactyly. Last evaluated: 2022-08-10. Review status: criteria provided, single submitter. Criteria: Invitae Variant Classification Sherloc (09022015). Collection method: clinical testing. Allele origin: germline.
Comment: This sequence change replaces asparagine, which is neutral and polar, with tyrosine, which is neutral and polar, at codon 397 of the WDR60 protein (p.Asn397Tyr). This variant is present in population databases (rs766148492, gnomAD 0.01%). This variant has not been reported in the literature in individuals affected with WDR60-related conditions. Algorithms developed to predict the effect of missense changes on protein structure and function are either unavailable or do not agree on the potential impact of this missense change (SIFT: "Deleterious"; PolyPhen-2: "Possibly Damaging"; Align-GVGD: "Class C0"). In summary, the available evidence is currently insufficient to determine the role of this variant in disease. Therefore, it has been classified as a Variant of Uncertain Significance.